The following is an entry in ClinVar:

NM_015107.3(PHF8):c.1141+3A>G

Gene: PHF8 (PHD finger protein 8; minus strand). Cytogenetic location: Xp11.22.
Variant type: single nucleotide variant.
Coding change: c.1141+3A>G on transcript NM_015107.3 (MANE Select); 3 bases into the intron after coding-DNA position 1141, A replaced by G.
Molecular consequence: intron variant.
Genome position (GRCh38, 1-based): chrX:54,002,152, T>C on the plus strand (A>G on the coding strand, the complement: PHF8 is on the minus strand). VCF-style: chrX-54002152-T-C. GRCh37 (hg19) VCF-style: chrX-54028585-T-C.
Other names: c.1249+3A>G (NM_001441096.1, NM_001184896.1, NM_001441098.1 and 1 more transcripts); c.1141+3A>G (NM_001184897.2, NM_001184898.2).
Identifiers: ClinVar variation 4856035 (VCV004856035.1).

ClinVar aggregate classification (germline): Uncertain significance (1 of 4 stars; one submission).

Conditions:
Intellectual developmental disorder, X-linked, syndromic, Siderius type. Also called: Syndromic X-linked intellectual disability Siderius type. Identifiers: Orphanet 85287, MedGen C1846055, MONDO:0010286, OMIM 300263.

Submission:

3billion
Classification: Uncertain significance for Intellectual developmental disorder, X-linked, syndromic, Siderius type. Last evaluated: 2026-01-27. Review status: criteria provided, single submitter. Criteria: ACMG Guidelines, 2015. Collection method: clinical testing. Allele origin: germline. Affected: yes.
Comment: The variant is not observed in the gnomAD v4.1.0 dataset. Predicted Consequence/Location: Intron variant In silico tools predict the variant to alter splicing and produce an abnormal transcript [SpliceAI: 0.82 (>=0.2, moderate evidence for spliceogenicity)]. Therefore, this variant is classified as VUS according to the recommendation of ACMG/AMP guideline.